The following is an entry in ClinVar:

NM_000478.6(ALPL):c.314C>A (p.Ala105Asp)

Gene: ALPL (alkaline phosphatase, biomineralization associated; plus strand). Cytogenetic location: 1p36.12.
Variant type: single nucleotide variant.
Coding change: c.314C>A on transcript NM_000478.6 (MANE Select); coding-DNA position 314, C replaced by A.
Protein change: p.Ala105Asp; replaces alanine 105 with aspartic acid.
Molecular consequence: missense variant.
Genome position (GRCh38, 1-based): chr1:21,563,126, C>A. VCF-style: chr1-21563126-C-A. GRCh37 (hg19) VCF-style: chr1-21889619-C-A.
Other names: c.149C>A, p.Ala50Asp (NM_001127501.4); c.83C>A, p.Ala28Asp (NM_001177520.3); c.314C>A, p.Ala105Asp (NM_001369803.2, NM_001369804.2, NM_001369805.2); short protein forms A105D, A50D, A28D.
Identifiers: ClinVar variation 3579806 (VCV003579806.4).

ClinVar aggregate classification (germline): Conflicting classifications of pathogenicity. Review status: criteria provided, conflicting classifications (1 of 4 stars). 4 submissions from 4 submitters: Likely pathogenic (3); Uncertain significance (1). Last evaluated 2026-09-01.

Conditions:
Hypophosphatasia. Also called: Phosphoethanol-aminuria. Identifiers: Orphanet 436, MedGen C0020630, MeSH D007014, MONDO:0018570.
Childhood hypophosphatasia. Identifiers: Orphanet 247667, Orphanet 436, MedGen C0220743, MONDO:1010168, OMIM 241510, MONDO:0009428.
Adult hypophosphatasia. Identifiers: Orphanet 247676, Orphanet 436, MedGen C0268413, MONDO:1010154, OMIM 146300, MONDO:0007798.
Infantile hypophosphatasia. Identifiers: Orphanet 247651, Orphanet 436, MedGen C0268412, MONDO:1010169, OMIM 241500, MONDO:0009427.

gnomAD v4.1: 1 of 1,613,674 alleles (0.000062%); highest among the groups gnomAD compares: Non-Finnish European, 0.000085%; no homozygotes.

Submissions (4):

Genomenon, Inc
Classification: Likely pathogenic for Hypophosphatasia. Last evaluated: 2026-09-01. Review status: criteria provided, single submitter. Criteria: Genomenon Sequence Variant Interpretation Standards - Updated. Collection method: curation. Allele origin: germline. Affected: no.
Comment: ALPL p.Ala105Asp (c.314C>A) is a missense variant that changes the amino acid at codon 105 from Alanine to Aspartic acid. To our knowledge, this variant has not been reported in patients affected with an ALPL-related disorder in the published literature. At least one functional study has demonstrated a substantial alteration in protein function relative to the wild-type (PMID:32160374). It is absent or not present at a significant frequency in gnomAD. In silico models predict that this variant is possibly or probably damaging. In conclusion, we classify ALPL p.Ala105Asp (c.314C>A) as a likely pathogenic variant.

Women's Health and Genetics/Laboratory Corporation of America, LabCorp
Classification: Likely pathogenic for Hypophosphatasia. Last evaluated: 2025-11-10. Review status: criteria provided, single submitter. Criteria: LabCorp Variant Classification Summary - May 2015. Collection method: clinical testing. Allele origin: germline.
Comment: Variant summary: ALPL c.314C>A (p.Ala105Asp) results in a non-conservative amino acid change in the encoded protein sequence. Algorithms developed to predict the effect of missense changes on protein structure and function all suggest that this variant is likely to be disruptive. The variant was absent in 250856 control chromosomes. c.314C>A has been observed in the presumed heterozygous state in at least 1 individual(s) affected with Hypophosphatasia (example, Del Angel_2020, Rush_2025). At least one publication reports experimental evidence evaluating an impact on protein function. The most pronounced variant effect results in <10% of normal activity in vitro (example, Del Angel_2020). The following publications have been ascertained in the context of this evaluation (PMID: 39983296, 32160374). ClinVar contains an entry for this variant (Variation ID: 3579806). Based on the evidence outlined above, the variant was classified as likely pathogenic.

Labcorp Genetics (formerly Invitae), Labcorp
Classification: Uncertain significance. Last evaluated: 2025-09-15. Review status: criteria provided, single submitter. Criteria: Invitae Variant Classification Sherloc (09022015). Collection method: clinical testing. Allele origin: germline.
Comment: This sequence change replaces alanine, which is neutral and non-polar, with aspartic acid, which is acidic and polar, at codon 105 of the ALPL protein (p.Ala105Asp). This variant is not present in population databases (gnomAD no frequency). This variant has not been reported in the literature in individuals affected with ALPL-related conditions. ClinVar contains an entry for this variant (Variation ID: 3579806). Invitae Evidence Modeling of protein sequence and biophysical properties (such as structural, functional, and spatial information, amino acid conservation, physicochemical variation, residue mobility, and thermodynamic stability) indicates that this missense variant is expected to disrupt ALPL protein function with a positive predictive value of 95%. Experimental studies have shown that this missense change affects ALPL function (PMID: 32160374). In summary, the available evidence is currently insufficient to determine the role of this variant in disease. Therefore, it has been classified as a Variant of Uncertain Significance.

Fulgent Genetics
Classification: Likely pathogenic for Adult hypophosphatasia; Infantile hypophosphatasia; Childhood hypophosphatasia. Last evaluated: 2024-05-17. Review status: criteria provided, single submitter. Criteria: ACMG Guidelines, 2015. Collection method: clinical testing. Allele origin: germline.

Literature cited by the submitters: PubMed 32160374 (cited by 3 submitters); PubMed 39983296 (cited by Women's Health and Genetics/Laboratory Corporation of America, LabCorp).